The following is an entry in ClinVar:

ClinVar aggregate classification (germline): Uncertain significance (1 of 4 stars; one submission).

Conditions:
RASopathy. Also called: Noonan spectrum disorder; rasopathies. Identifiers: Orphanet 536391, MedGen C5555857, MONDO:0021060.

Submission:

Labcorp Genetics (formerly Invitae), Labcorp
Classification: Uncertain significance for RASopathy. Last evaluated: 2024-08-27. Review status: criteria provided, single submitter. Criteria: Invitae Variant Classification Sherloc (09022015). Collection method: clinical testing. Allele origin: germline.
Comment: This sequence change affects codon 5 of the PTPN11 mRNA. It is a 'silent' change, meaning that it does not change the encoded amino acid sequence of the PTPN11 protein. It affects a nucleotide within the consensus splice site. This variant is not present in population databases (gnomAD no frequency). This variant has not been reported in the literature in individuals affected with PTPN11-related conditions. Algorithms developed to predict the effect of sequence changes on RNA splicing suggest that this variant is not likely to affect RNA splicing. In summary, the available evidence is currently insufficient to determine the role of this variant in disease. Therefore, it has been classified as a Variant of Uncertain Significance.

NM_002834.5(PTPN11):c.15A>G (p.Arg5=)

Gene: PTPN11 (protein tyrosine phosphatase non-receptor type 11; plus strand). Cytogenetic location: 12q24.13.
Variant type: single nucleotide variant.
Coding change: c.15A>G on transcript NM_002834.5 (MANE Select); coding-DNA position 15, A replaced by G.
Protein change: p.Arg5=; no amino-acid change (arginine 5 retained).
Molecular consequence: synonymous variant.
Genome position (GRCh38, 1-based): chr12:112,446,276, A>G. VCF-style: chr12-112446276-A-G. GRCh37 (hg19) VCF-style: chr12-112884080-A-G.
Other names: c.15A>G, p.Arg5= (NM_080601.3, NM_001330437.2, NM_001374625.1).
Identifiers: ClinVar variation 3663504 (VCV003663504.2).
Genomic context (GRCh38, chr12:112,446,276, plus strand): 5'-TGGAAAGTAGTGCTGACAGTGTCTTGTTTTTTTATTACTTACTTTGTCTTTCTTTTTAAG[A>G]TGGTTTCACCCAAATATCACTGGTGTGGAGGCAGAAAACCTACTGTTGACAAGAGGAGTT-3'
Protein context (NP_002825.3, residues 1-15): MTSR[Arg5=]WFHPNITGVE